The following is an entry in ClinVar:

ClinVar aggregate classification (germline): Uncertain significance (1 of 4 stars; one submission).

Allele frequency attached by ClinVar (database versions not stated): TOPMed 0.00001.

Submission:

Labcorp Genetics (formerly Invitae), Labcorp
Classification: Uncertain significance. Last evaluated: 2025-08-05. Review status: criteria provided, single submitter. Criteria: Invitae Variant Classification Sherloc (09022015). Collection method: clinical testing. Allele origin: germline.
Comment: This sequence change replaces serine, which is neutral and polar, with cysteine, which is neutral and slightly polar, at codon 986 of the PLEKHM2 protein (p.Ser986Cys). This variant is not present in population databases (gnomAD no frequency). This variant has not been reported in the literature in individuals affected with PLEKHM2-related conditions. ClinVar contains an entry for this variant (Variation ID: 2089284). An algorithm developed to predict the effect of missense changes on protein structure and function (PolyPhen-2) suggests that this variant is likely to be disruptive. In summary, the available evidence is currently insufficient to determine the role of this variant in disease. Therefore, it has been classified as a Variant of Uncertain Significance.

NM_015164.4(PLEKHM2):c.2957C>G (p.Ser986Cys)

Gene: PLEKHM2 (pleckstrin homology and RUN domain containing M2; plus strand). Cytogenetic location: 1p36.21.
Variant type: single nucleotide variant.
Coding change: c.2957C>G on transcript NM_015164.4 (MANE Select); coding-DNA position 2957, C replaced by G.
Protein change: p.Ser986Cys; replaces serine 986 with cysteine.
Molecular consequence: missense variant.
Genome position (GRCh38, 1-based): chr1:15,733,831, C>G. VCF-style: chr1-15733831-C-G. GRCh37 (hg19) VCF-style: chr1-16060326-C-G.
Other names: c.2897C>G, p.Ser966Cys (NM_001410755.1); short protein forms S986C, S966C.
Identifiers: ClinVar variation 2089284 (VCV002089284.4), dbSNP rs1323187104, ClinGen allele CA338576420.